The following is an entry in ClinVar:

NM_025114.4(CEP290):c.5075A>G (p.Tyr1692Cys)

Gene: CEP290 (centrosomal protein 290; minus strand). Cytogenetic location: 12q21.32.
Variant type: single nucleotide variant.
Coding change: c.5075A>G on transcript NM_025114.4 (MANE Select); coding-DNA position 5075, A replaced by G.
Protein change: p.Tyr1692Cys; replaces tyrosine 1692 with cysteine.
Molecular consequence: missense variant.
Genome position (GRCh38, 1-based): chr12:88,080,333, T>C on the plus strand (A>G on the coding strand, the complement: CEP290 is on the minus strand). VCF-style: chr12-88080333-T-C. GRCh37 (hg19) VCF-style: chr12-88474110-T-C.
Other names: short protein forms Y1692C.
Identifiers: ClinVar variation 598535 (VCV000598535.7), dbSNP rs1565827486, ClinGen allele CA385991428.

ClinVar aggregate classification (germline): Uncertain significance. Review status: criteria provided, multiple submitters, no conflicts (2 of 4 stars). 2 submissions from 2 submitters: Uncertain significance (2). Last evaluated 2022-09-14.

Conditions:
Meckel-Gruber syndrome. Also called: Dysencephalia splachnocystica; DYSENCEPHALIA SPLANCHNOCYSTICA; GRUBER SYNDROME. Identifiers: Orphanet 564, MedGen C0265215, MONDO:0018921.
Nephronophthisis. Also called: Juvenile Nephronophthisis. Identifiers: Orphanet 655, MedGen C0687120, MONDO:0019005, HP:0000090.
Joubert syndrome. Also called: Familial aplasia of the vermis; CEREBELLOPARENCHYMAL DISORDER IV; JOUBERT-BOLTSHAUSER SYNDROME. Identifiers: Orphanet 475, MedGen C5979921, MONDO:0018772.

Allele frequency attached by ClinVar (database versions not stated): gnomAD exomes below 0.00001.
gnomAD v4.1: 1 of 1,613,842 alleles (0.000062%); highest among the groups gnomAD compares: African/African-American, 0.0013%; no homozygotes.

Submissions (2):

Labcorp Genetics (formerly Invitae), Labcorp
Classification: Uncertain significance for Joubert syndrome; Meckel-Gruber syndrome; Nephronophthisis. Last evaluated: 2022-09-14. Review status: criteria provided, single submitter. Criteria: Invitae Variant Classification Sherloc (09022015). Collection method: clinical testing. Allele origin: germline.
Comment: This sequence change replaces tyrosine, which is neutral and polar, with cysteine, which is neutral and slightly polar, at codon 1692 of the CEP290 protein (p.Tyr1692Cys). This variant is not present in population databases (gnomAD no frequency). This variant has not been reported in the literature in individuals affected with CEP290-related conditions. ClinVar contains an entry for this variant (Variation ID: 598535). Advanced modeling of protein sequence and biophysical properties (such as structural, functional, and spatial information, amino acid conservation, physicochemical variation, residue mobility, and thermodynamic stability) performed at Invitae indicates that this missense variant is not expected to disrupt CEP290 protein function. In summary, the available evidence is currently insufficient to determine the role of this variant in disease. Therefore, it has been classified as a Variant of Uncertain Significance.

Eurofins Ntd Llc (ga)
Classification: Uncertain significance. Last evaluated: 2018-08-21. Review status: criteria provided, single submitter. Criteria: EGL ClinVar v180209 classification definitions. Collection method: clinical testing. Allele origin: germline. Observed: 1 variant allele, 1 heterozygote.